The following is an entry in ClinVar:

NM_206933.4(USH2A):c.8028G>A (p.Pro2676=)

Gene: USH2A (usherin; minus strand). Cytogenetic location: 1q41.
Variant type: single nucleotide variant.
Coding change: c.8028G>A on transcript NM_206933.4 (MANE Select); coding-DNA position 8028, G replaced by A.
Protein change: p.Pro2676=; no amino-acid change (proline 2676 retained).
Molecular consequence: synonymous variant.
Genome position (GRCh38, 1-based): chr1:215,888,621, C>T on the plus strand (G>A on the coding strand, the complement: USH2A is on the minus strand). VCF-style: chr1-215888621-C-T. GRCh37 (hg19) VCF-style: chr1-216061963-C-T.
Identifiers: ClinVar variation 424935 (VCV000424935.56), dbSNP rs766443785, ClinGen allele CA1394699.

ClinVar aggregate classification (germline): Conflicting classifications of pathogenicity. Review status: criteria provided, conflicting classifications (1 of 4 stars). 5 submissions from 5 submitters: Uncertain significance (1); Likely benign (3). 1 of the submissions does not count toward it. Last evaluated 2026-01-18.

Conditions:
Usher syndrome type 2A. Also called: USHER SYNDROME, TYPE IIA; RETINAL DISEASE IN USHER SYNDROME TYPE IIA, MODIFIER OF. Identifiers: Orphanet 231178, Orphanet 886, MedGen C1848634, MONDO:0010169, OMIM 276901.

Allele frequency attached by ClinVar (database versions not stated): ExAC 0.00002; gnomAD 0.00002; TOPMed 0.00002; gnomAD exomes 0.00006.
gnomAD v4.1: 44 of 1,613,998 alleles (0.0027%); highest among the groups gnomAD compares: Middle Eastern, 0.033%; no homozygotes.

Submissions (5):

Labcorp Genetics (formerly Invitae), Labcorp
Classification: Likely benign. Last evaluated: 2026-01-18. Review status: criteria provided, single submitter. Criteria: Invitae Variant Classification Sherloc (09022015). Collection method: clinical testing. Allele origin: germline.

Blueprint Genetics
Classification: Likely benign. Last evaluated: 2024-09-18. Review status: criteria provided, single submitter. Criteria: ACMG Guidelines, 2015. Collection method: clinical testing. Allele origin: germline.

GeneDx
Classification: Likely benign. Last evaluated: 2018-06-15. Review status: criteria provided, single submitter. Criteria: GeneDx Variant Classification (06012015). Collection method: clinical testing. Allele origin: germline. Affected: yes.
Comment: This variant is considered likely benign or benign based on one or more of the following criteria: it is a conservative change, it occurs at a poorly conserved position in the protein, it is predicted to be benign by multiple in silico algorithms, and/or has population frequency not consistent with disease.

CeGaT Center for Human Genetics Tuebingen
Classification: Uncertain significance. Last evaluated: 2016-09-01. Review status: criteria provided, single submitter. Criteria: CeGaT Center For Human Genetics Tuebingen Variant Classification Criteria Version 2. Collection method: clinical testing. Allele origin: germline. Affected: yes. Observed: 1 variant allele.

Natera, Inc.
Classification: Likely benign for Usher syndrome type 2A. Last evaluated: 2020-09-16. Review status: no assertion criteria provided. Collection method: clinical testing. Allele origin: germline. Not counted in ClinVar's aggregate classification.